The following is an entry in ClinVar:

NM_013266.4(CTNNA3):c.1858A>G (p.Ile620Val)

Gene: CTNNA3 (catenin alpha 3; minus strand). Cytogenetic location: 10q21.3.
Variant type: single nucleotide variant.
Coding change: c.1858A>G on transcript NM_013266.4 (MANE Select); coding-DNA position 1858, A replaced by G.
Protein change: p.Ile620Val; replaces isoleucine 620 with valine.
Molecular consequence: missense variant.
Genome position (GRCh38, 1-based): chr10:66,280,496, T>C on the plus strand (A>G on the coding strand, the complement: CTNNA3 is on the minus strand). VCF-style: chr10-66280496-T-C. GRCh37 (hg19) VCF-style: chr10-68040254-T-C.
Other names: c.1858A>G, p.Ile620Val (NM_001127384.3); short protein forms I620V.
Identifiers: ClinVar variation 3693931 (VCV003693931.3).

ClinVar aggregate classification (germline): Uncertain significance. Review status: criteria provided, multiple submitters, no conflicts (2 of 4 stars). 2 submissions from 2 submitters: Uncertain significance (2). Last evaluated 2024-10-05.

Conditions:
Arrhythmogenic right ventricular dysplasia 13. Also called: Arrhythmogenic right ventricular dysplasia, familial, 13; ARRHYTHMOGENIC RIGHT VENTRICULAR CARDIOMYOPATHY 13. Identifiers: MedGen C3810138, MONDO:0000908, OMIM 615616.

gnomAD v4.1: 4 of 1,606,986 alleles (0.00025%); highest among the groups gnomAD compares: Non-Finnish European, 0.00034%; no homozygotes.

Submissions (2):

Labcorp Genetics (formerly Invitae), Labcorp
Classification: Uncertain significance for Arrhythmogenic right ventricular dysplasia 13. Last evaluated: 2024-10-05. Review status: criteria provided, single submitter. Criteria: Invitae Variant Classification Sherloc (09022015). Collection method: clinical testing. Allele origin: germline.
Comment: This sequence change replaces isoleucine, which is neutral and non-polar, with valine, which is neutral and non-polar, at codon 620 of the CTNNA3 protein (p.Ile620Val). This variant is present in population databases (rs772371271, gnomAD 0.0009%). This variant has not been reported in the literature in individuals affected with CTNNA3-related conditions. Invitae Evidence Modeling of protein sequence and biophysical properties (such as structural, functional, and spatial information, amino acid conservation, physicochemical variation, residue mobility, and thermodynamic stability) indicates that this missense variant is not expected to disrupt CTNNA3 protein function with a negative predictive value of 80%. In summary, the available evidence is currently insufficient to determine the role of this variant in disease. Therefore, it has been classified as a Variant of Uncertain Significance.

Blueprint Genetics
Classification: Uncertain significance. Last evaluated: 2019-10-11. Review status: criteria provided, single submitter. Criteria: ACMG Guidelines, 2015. Collection method: clinical testing. Allele origin: germline.